The following is an entry in ClinVar:

NM_004984.4(KIF5A):c.2604G>A (p.Thr868=)

Gene: KIF5A (kinesin family member 5A; plus strand). Cytogenetic location: 12q13.3.
Variant type: single nucleotide variant.
Coding change: c.2604G>A on transcript NM_004984.4 (MANE Select); coding-DNA position 2604, G replaced by A.
Protein change: p.Thr868=; no amino-acid change (threonine 868 retained).
Molecular consequence: synonymous variant.
Genome position (GRCh38, 1-based): chr12:57,581,021, G>A. VCF-style: chr12-57581021-G-A. GRCh37 (hg19) VCF-style: chr12-57974804-G-A.
Other names: c.2337G>A, p.Thr779= (NM_001354705.2); c.2604G>A (NM_004984.2).
Identifiers: ClinVar variation 2570836 (VCV002570836.32), dbSNP rs201958633, ClinGen allele CA6653165.

ClinVar aggregate classification (germline): Likely benign. Review status: criteria provided, multiple submitters, no conflicts (2 of 4 stars). 4 submissions from 4 submitters: Likely benign (4). Last evaluated 2025-10-23.

Conditions:
Spastic paraplegia. Identifiers: MedGen C0037772, HP:0001258.
KIF5A-related disorder. Also called: KIF5A-related condition; KIF5A-related disorders.

Allele frequency attached by ClinVar (database versions not stated): TOPMed below 0.00001; gnomAD 0.00001; ExAC 0.00003; gnomAD exomes 0.00003.
gnomAD v4.1: 39 of 1,613,952 alleles (0.0024%); highest among the groups gnomAD compares: Non-Finnish European, 0.0031%; no homozygotes.

Submissions (4):

Labcorp Genetics (formerly Invitae), Labcorp
Classification: Likely benign for Spastic paraplegia. Last evaluated: 2025-10-23. Review status: criteria provided, single submitter. Criteria: Invitae Variant Classification Sherloc (09022015). Collection method: clinical testing. Allele origin: germline.

PreventionGenetics, part of Exact Sciences
Classification: Likely benign for KIF5A-related condition. Last evaluated: 2024-12-12. Review status: criteria provided, single submitter. Criteria: ACMG Guidelines, 2015. Collection method: clinical testing. Allele origin: germline.
Comment: This variant is classified as likely benign based on ACMG/AMP sequence variant interpretation guidelines (Richards et al. 2015 PMID: 25741868, with internal and published modifications).

Blueprint Genetics
Classification: Likely benign. Last evaluated: 2024-04-03. Review status: criteria provided, single submitter. Criteria: ACMG Guidelines, 2015. Collection method: clinical testing. Allele origin: germline.

CeGaT Center for Human Genetics Tuebingen
Classification: Likely benign. Last evaluated: 2023-06-01. Review status: criteria provided, single submitter. Criteria: CeGaT Center For Human Genetics Tuebingen Variant Classification Criteria Version 2. Collection method: clinical testing. Allele origin: germline. Affected: yes. Observed: 1 variant allele.
Comment: KIF5A: BP4